The following is an entry in ClinVar:

NM_020779.4(WDR35):c.853A>T (p.Ile285Phe)

Gene: WDR35 (WD repeat domain 35; minus strand). Cytogenetic location: 2p24.1.
Variant type: single nucleotide variant.
Coding change: c.853A>T on transcript NM_020779.4 (MANE Select); coding-DNA position 853, A replaced by T.
Protein change: p.Ile285Phe; replaces isoleucine 285 with phenylalanine.
Molecular consequence: missense variant.
Genome position (GRCh38, 1-based): chr2:19,973,592, T>A on the plus strand (A>T on the coding strand, the complement: WDR35 is on the minus strand). VCF-style: chr2-19973592-T-A. GRCh37 (hg19) VCF-style: chr2-20173353-T-A.
Other names: p.Ile285Phe; c.853A>T, p.Ile285Phe (NM_001006657.2); short protein forms I285F.
Identifiers: ClinVar variation 661324 (VCV000661324.21), dbSNP rs200059077, ClinGen allele CA1543420.

ClinVar aggregate classification (germline): Conflicting classifications of pathogenicity. Review status: criteria provided, conflicting classifications (1 of 4 stars). 12 submissions from 11 submitters: Uncertain significance (6); Benign (1); Likely benign (2). 3 of the submissions do not count toward it. Last evaluated 2026-04-28.

Conditions:
Connective tissue disorder. Also called: Connective tissue disease. Identifiers: MedGen C0009782, MONDO:0003900.
Short-rib thoracic dysplasia 7 with or without polydactyly (SRTD7). Also called: SHORT-RIB THORACIC DYSPLASIA 7 WITH POLYDACTYLY; Short rib polydactyly syndrome 5. Identifiers: Orphanet 498497, Orphanet 93271, MedGen C3279792, MONDO:0013569, OMIM 614091.
Cranioectodermal dysplasia 2 (CED2). Identifiers: Orphanet 1515, MedGen C3150874, MONDO:0013323, OMIM 613610.
WDR35-related disorder. Also called: WDR35-related disorders; WDR35-related condition. Identifiers: MedGen CN239419.

Allele frequency attached by ClinVar (database versions not stated): 1000 Genomes Project 0.00020; 1000 Genomes Project 30x 0.00031; ESP Exome Variant Server 0.00038; ExAC 0.00040; gnomAD exomes 0.00041 and 0.00078; TOPMed 0.00060; gnomAD 0.00073 and 0.00074.
gnomAD v4.1: 1,261 of 1,614,170 alleles (0.078%); highest among the groups gnomAD compares: Non-Finnish European, 0.095%; no homozygotes.

Submissions (12):

PreventionGenetics, part of Exact Sciences
Classification: Uncertain significance for WDR35-related condition. Last evaluated: 2026-04-28. Review status: criteria provided, single submitter. Criteria: ACMG Guidelines, 2015. Collection method: clinical testing. Allele origin: germline.
Comment: The WDR35 c.853A>T variant is predicted to result in the amino acid substitution p.Ile285Phe. To our knowledge, this variant has not been reported in the literature. This variant is reported in 0.077% of alleles in individuals of European (Non-Finnish) descent in gnomAD. Although we suspect that this variant may be benign, at this time, the clinical significance of this variant is uncertain due to the absence of conclusive functional and genetic evidence.

GeneDx
Classification: Uncertain significance. Last evaluated: 2025-12-15. Review status: criteria provided, single submitter. Criteria: GeneDx Variant Classification Process June 2021. Collection method: clinical testing. Allele origin: germline. Affected: yes.
Comment: In silico analysis supports that this missense variant has a deleterious effect on protein structure/function; Has not been previously published as pathogenic or benign to our knowledge

Labcorp Genetics (formerly Invitae), Labcorp
Classification: Benign for Cranioectodermal dysplasia 2; Short-rib thoracic dysplasia 7 with or without polydactyly. Last evaluated: 2025-11-17. Review status: criteria provided, single submitter. Criteria: Invitae Variant Classification Sherloc (09022015). Collection method: clinical testing. Allele origin: germline.

Blueprint Genetics
Classification: Likely benign. Last evaluated: 2024-11-07. Review status: criteria provided, single submitter. Criteria: ACMG Guidelines, 2015. Collection method: clinical testing. Allele origin: germline.

Mayo Clinic Laboratories, Mayo Clinic
Classification: Uncertain significance. Last evaluated: 2024-05-29. Review status: criteria provided, single submitter. Criteria: ACMG Guidelines, 2015. Collection method: clinical testing. Allele origin: germline. Observed: 1 variant allele.
Comment: BP4

Fulgent Genetics
Classification: Likely benign for Cranioectodermal dysplasia 2; Short-rib thoracic dysplasia 7 with or without polydactyly. Last evaluated: 2024-02-15. Review status: criteria provided, single submitter. Criteria: ACMG Guidelines, 2015. Collection method: clinical testing. Allele origin: germline.

Genome Diagnostics Laboratory, The Hospital for Sick Children
Classification: Uncertain significance for Connective tissue disorder. Last evaluated: 2022-04-25. Review status: criteria provided, single submitter. Criteria: ACMG Guidelines, 2015. Collection method: clinical testing. Allele origin: germline.

Illumina Laboratory Services, Illumina
Classification: Uncertain significance for Cranioectodermal dysplasia 2. Last evaluated: 2018-01-12. Review status: criteria provided, single submitter. Criteria: ICSL Variant Classification Criteria 13 December 2019. Collection method: clinical testing. Allele origin: germline.

Illumina Laboratory Services, Illumina
Classification: Uncertain significance for Short-rib thoracic dysplasia 7 with or without polydactyly. Last evaluated: 2018-01-12. Review status: criteria provided, single submitter. Criteria: ICSL Variant Classification Criteria 13 December 2019. Collection method: clinical testing. Allele origin: germline.

Clinical Genetics DNA and cytogenetics Diagnostics Lab, Erasmus MC, Erasmus Medical Center
Classification: Likely benign. Review status: no assertion criteria provided. Collection method: clinical testing. Allele origin: germline. Affected: yes. Study: VKGL Data-share Consensus. Not counted in ClinVar's aggregate classification.

Genome Diagnostics Laboratory, University Medical Center Utrecht
Classification: Likely benign. Review status: no assertion criteria provided. Collection method: clinical testing. Allele origin: germline. Affected: yes. Study: VKGL Data-share Consensus. Not counted in ClinVar's aggregate classification.

Laboratory of Diagnostic Genome Analysis, Leiden University Medical Center (LUMC)
Classification: Likely benign. Review status: no assertion criteria provided. Collection method: clinical testing. Allele origin: germline. Affected: yes. Study: VKGL Data-share Consensus. Not counted in ClinVar's aggregate classification.